The following is an entry in ClinVar:

ClinVar aggregate classification (germline): Uncertain significance (1 of 4 stars; one submission).

Conditions:
Cardiovascular phenotype. Identifiers: MedGen CN230736.

Submission:

Ambry Genetics
Classification: Uncertain significance for Cardiovascular phenotype. Last evaluated: 2023-06-22. Review status: criteria provided, single submitter. Criteria: Ambry Variant Classification Scheme 2023. Collection method: clinical testing. Allele origin: germline.
Comment: The c.561-5C>T intronic variant results from a C to T substitution 5 nucleotides upstream from coding exon 5 in the MYOZ2 gene. This nucleotide position is not well conserved in available vertebrate species. In silico splice site analysis predicts that this alteration will not have any significant effect on splicing. The evidence for this gene-disease relationship is limited; therefore, the clinical significance of this alteration is unclear.

NM_016599.5(MYOZ2):c.561-5C>T

Gene: MYOZ2 (myozenin 2; plus strand). Cytogenetic location: 4q26.
Variant type: single nucleotide variant.
Coding change: c.561-5C>T on transcript NM_016599.5 (MANE Select); 5 bases into the intron before coding-DNA position 561, C replaced by T.
Molecular consequence: intron variant.
Genome position (GRCh38, 1-based): chr4:119,185,961, C>T. VCF-style: chr4-119185961-C-T. GRCh37 (hg19) VCF-style: chr4-120107116-C-T.
Identifiers: ClinVar variation 2626090 (VCV002626090.2), dbSNP rs2529809543, ClinGen allele CA2582342660.